The following is an entry in ClinVar:

NM_000346.4(SOX9):c.515A>T (p.Tyr172Phe)

Gene: SOX9 (SRY-box transcription factor 9; plus strand). Cytogenetic location: 17q24.3.
Variant type: single nucleotide variant.
Coding change: c.515A>T on transcript NM_000346.4 (MANE Select); coding-DNA position 515, A replaced by T.
Protein change: p.Tyr172Phe; replaces tyrosine 172 with phenylalanine.
Molecular consequence: missense variant.
Genome position (GRCh38, 1-based): chr17:72,122,802, A>T. VCF-style: chr17-72122802-A-T. GRCh37 (hg19) VCF-style: chr17-70118943-A-T.
Other names: short protein forms Y172F.
Identifiers: ClinVar variation 2047766 (VCV002047766.4), dbSNP rs1555629158, ClinGen allele CA400866468.

ClinVar aggregate classification (germline): Pathogenic (1 of 4 stars; one submission).

Conditions:
Camptomelic dysplasia (CMPD). Also called: Campomelic Dysplasia; CMPD1/SRA1. Identifiers: Orphanet 140, MedGen C1861922, MONDO:0007251, OMIM 114290.

Submission:

Labcorp Genetics (formerly Invitae), Labcorp
Classification: Pathogenic for Camptomelic dysplasia. Last evaluated: 2024-02-24. Review status: criteria provided, single submitter. Criteria: Invitae Variant Classification Sherloc (09022015). Collection method: clinical testing. Allele origin: germline.
Comment: This sequence change replaces tyrosine, which is neutral and polar, with phenylalanine, which is neutral and non-polar, at codon 172 of the SOX9 protein (p.Tyr172Phe). This variant is not present in population databases (gnomAD no frequency). This missense change has been observed in individual(s) with clinical features of campomelic dysplasia (Invitae). In at least one individual the variant was observed to be de novo. ClinVar contains an entry for this variant (Variation ID: 2047766). Advanced modeling of protein sequence and biophysical properties (such as structural, functional, and spatial information, amino acid conservation, physicochemical variation, residue mobility, and thermodynamic stability) performed at Invitae indicates that this missense variant is expected to disrupt SOX9 protein function with a positive predictive value of 80%. For these reasons, this variant has been classified as Pathogenic.